The following is an entry in ClinVar:

ClinVar aggregate classification (germline): Uncertain significance. Review status: criteria provided, multiple submitters, no conflicts (2 of 4 stars). 2 submissions from 2 submitters: Uncertain significance (2). Last evaluated 2024-04-30.

Conditions:
Walker-Warburg congenital muscular dystrophy. Also called: Muscular dystrophy-dystroglycanopathy, type A; Walker-Warburg syndrome. Identifiers: Orphanet 899, MedGen C0265221, MONDO:0000171.
Autosomal recessive limb-girdle muscular dystrophy type 2K. Also called: MUSCULAR DYSTROPHY-DYSTROGLYCANOPATHY (LIMB-GIRDLE), TYPE C, 1; MUSCULAR DYSTROPHY, LIMB-GIRDLE, TYPE 2K. Identifiers: Orphanet 86812, MedGen C1836373, MONDO:0012248, OMIM 609308.
Muscular dystrophy-dystroglycanopathy (congenital with impaired intellectual development), type B, 1. Also called: Muscular dystrophy-dystroglycanopathy (congenital with intellectual disability), type B1; MUSCULAR DYSTROPHY, CONGENITAL, POMT1-RELATED. Identifiers: MedGen C5436962, MONDO:0013159, OMIM 613155.
Inborn genetic diseases. Identifiers: MedGen C0950123, MeSH D030342.

Allele frequency attached by ClinVar (database versions not stated): ExAC 0.00001; gnomAD 0.00001; gnomAD exomes 0.00001; TOPMed 0.00001.
gnomAD v4.1: 6 of 1,613,930 alleles (0.00037%); highest among the groups gnomAD compares: Admixed American, 0.01%; no homozygotes.

Submissions (2):

Labcorp Genetics (formerly Invitae), Labcorp
Classification: Uncertain significance for Muscular dystrophy-dystroglycanopathy (congenital with impaired intellectual development), type B, 1; Walker-Warburg congenital muscular dystrophy; Autosomal recessive limb-girdle muscular dystrophy type 2K. Last evaluated: 2024-04-30. Review status: criteria provided, single submitter. Criteria: Invitae Variant Classification Sherloc (09022015). Collection method: clinical testing. Allele origin: germline.
Comment: This sequence change replaces serine, which is neutral and polar, with arginine, which is basic and polar, at codon 18 of the POMT1 protein (p.Ser18Arg). This variant is present in population databases (rs779386306, gnomAD 0.01%). This variant has not been reported in the literature in individuals affected with POMT1-related conditions. ClinVar contains an entry for this variant (Variation ID: 1446532). Advanced modeling of protein sequence and biophysical properties (such as structural, functional, and spatial information, amino acid conservation, physicochemical variation, residue mobility, and thermodynamic stability) performed at Invitae indicates that this missense variant is not expected to disrupt POMT1 protein function with a negative predictive value of 95%. In summary, the available evidence is currently insufficient to determine the role of this variant in disease. Therefore, it has been classified as a Variant of Uncertain Significance.

Ambry Genetics
Classification: Uncertain significance for Inborn genetic diseases. Last evaluated: 2022-06-22. Review status: criteria provided, single submitter. Criteria: Ambry Variant Classification Scheme 2023. Collection method: clinical testing. Allele origin: germline.

NM_001077365.2(POMT1):c.52A>C (p.Ser18Arg)

Gene: POMT1 (protein O-mannosyltransferase 1; plus strand). Cytogenetic location: 9q34.13.
Variant type: single nucleotide variant.
Coding change: c.52A>C on transcript NM_001077365.2 (MANE Select); coding-DNA position 52, A replaced by C.
Protein change: p.Ser18Arg; replaces serine 18 with arginine.
Molecular consequence: missense variant. On other transcripts: 5 prime UTR variant (4), non-coding transcript variant (4), intron variant (9).
Genome position (GRCh38, 1-based): chr9:131,504,270, A>C. VCF-style: chr9-131504270-A-C. GRCh37 (hg19) VCF-style: chr9-134379657-A-C.
Other names: c.52A>C (NM_007171.3); c.52A>C, p.Ser18Arg (NM_001136113.2, NM_001353193.2, NM_001353196.2 and 2 more transcripts); c.-193A>C (NM_001353195.2); c.-420A>C (NM_001353198.2); c.-142A>C (NM_001374692.1); c.-100A>C (NM_001374695.1); c.-41+957A>C (NM_001353194.2); c.-72+957A>C (NM_001374691.1); and 3 more; short protein forms S18R.
Identifiers: ClinVar variation 1446532 (VCV001446532.8), dbSNP rs779386306, ClinGen allele CA5293136.
Genomic context (GRCh38, chr9:131,504,270, plus strand): 5'-TTCTACAAGATGTGGGGATTTTTGAAGCGCCCTGTAGTGGTGACGGCTGACATCAACTTG[A>C]GCCTTGTGGCCCTGACTGGGATGGGGTTACTGAGCCGGCTGTGGCGACTCACCTACCCGC-3'
Protein context (NP_001070833.1, residues 8-28): PVVVTADINL[Ser18Arg]LVALTGMGLL